The following is an entry in ClinVar:

ClinVar aggregate classification (germline): Pathogenic (0 of 4 stars; one submission).

Conditions:
Beckwith-Wiedemann syndrome (BWS). Also called: EMG SYNDROME; Exomphalos macroglossia gigantism syndrome. Identifiers: Orphanet 116, MedGen C0004903, MONDO:0007534, OMIM 130650.

Submission:

Centre de Recherche Saint Antoine,  Université Pierre et Marie Curie
Classification: Pathogenic for Beckwith-Wiedemann syndrome. Review status: no assertion criteria provided. Collection method: not provided. Allele origin: unknown.
ClinVar note: Converted during submission from pathogenic to Pathogenic.

NM_001122630.2(CDKN1C):c.367dup (p.Glu123fs)

Gene: CDKN1C (cyclin dependent kinase inhibitor 1C; minus strand). Cytogenetic location: 11p15.4.
Variant type: Duplication.
Coding change: c.367dup on transcript NM_001122630.2 (MANE Select); coding-DNA position 367, one base duplicated (G; older notation c.367dupG).
Protein change: p.Glu123fs; shifts the reading frame from glutamic acid 123.
Molecular consequence: frameshift variant. On other transcripts: intron variant (1).
Genome position (GRCh38, 1-based): chr11:2,885,090, C duplicated on the plus strand (G on the coding strand, the reverse complement: CDKN1C is on the minus strand); the first of 2 consecutive C bases (chr11:2,885,090-2,885,091); duplicating either gives the same sequence. VCF-style (leftmost placement, unchanged base first): chr11-2885089-T-TC. GRCh37 (hg19) VCF-style: chr11-2906319-T-TC.
Other names: c.400dup, p.Glu134fs (LRG_533t1, NM_001362474.2); c.367dup, p.Glu123fs (NM_001122631.2); c.255+111dup (NM_001362475.2); short protein forms E134fs, E123fs.
Identifiers: ClinVar variation 132850 (VCV000132850.2), dbSNP rs786205236, ClinGen allele CA274887.